The following is an entry in ClinVar:

NM_004522.3(KIF5C):c.2131C>T (p.Arg711Trp)

Gene: KIF5C (kinesin family member 5C; plus strand). Cytogenetic location: 2q23.1.
Variant type: single nucleotide variant.
Coding change: c.2131C>T on transcript NM_004522.3 (MANE Select); coding-DNA position 2131, C replaced by T.
Protein change: p.Arg711Trp; replaces arginine 711 with tryptophan.
Molecular consequence: missense variant. On other transcripts: non-coding transcript variant (1).
Genome position (GRCh38, 1-based): chr2:148,998,430, C>T. VCF-style: chr2-148998430-C-T. GRCh37 (hg19) VCF-style: chr2-149854944-C-T.
Other names: short protein forms R711W.
Identifiers: ClinVar variation 3896589 (VCV003896589.2).

ClinVar aggregate classification (germline): Uncertain significance (1 of 4 stars; one submission).

gnomAD v4.1: 2 of 1,566,718 alleles (0.00013%); highest among the groups gnomAD compares: Non-Finnish European, 0.00017%; no homozygotes.

Submission:

Women's Health and Genetics/Laboratory Corporation of America, LabCorp
Classification: Uncertain significance. Last evaluated: 2025-04-28. Review status: criteria provided, single submitter. Criteria: LabCorp Variant Classification Summary - May 2015. Collection method: clinical testing. Allele origin: germline.
Comment: Variant summary: KIF5C c.2131C>T (p.Arg711Trp) results in a non-conservative amino acid change in the encoded protein sequence. Five of five in-silico tools predict a damaging effect of the variant on protein function. The frequency data for this variant in gnomAD is considered unreliable, as metrics indicate poor data quality at this position. To our knowledge, no occurrence of c.2131C>T in individuals affected with Complex Cortical Dysplasia With Other Brain Malformations 2 and no experimental evidence demonstrating its impact on protein function have been reported. No submitters have cited clinical-significance assessments for this variant to ClinVar. Based on the evidence outlined above, the variant was classified as uncertain significance.